The following is an entry in ClinVar:

NM_002529.4(NTRK1):c.817C>T (p.Arg273Trp)

Gene: NTRK1 (neurotrophic receptor tyrosine kinase 1; plus strand). Cytogenetic location: 1q23.1.
Variant type: single nucleotide variant.
Coding change: c.817C>T on transcript NM_002529.4 (MANE Select); coding-DNA position 817, C replaced by T.
Protein change: p.Arg273Trp; replaces arginine 273 with tryptophan.
Molecular consequence: missense variant.
Genome position (GRCh38, 1-based): chr1:156,871,722, C>T. VCF-style: chr1-156871722-C-T. GRCh37 (hg19) VCF-style: chr1-156841514-C-T.
Other names: c.727C>T, p.Arg243Trp (NM_001007792.1); c.817C>T, p.Arg273Trp (NM_001012331.2); short protein forms R273W, R243W.
Identifiers: ClinVar variation 456623 (VCV000456623.38), dbSNP rs151334385, ClinGen allele CA1169101.

ClinVar aggregate classification (germline): Uncertain significance. Review status: criteria provided, multiple submitters, no conflicts (2 of 4 stars). 4 submissions from 4 submitters: Uncertain significance (3). 1 of the submissions does not count toward it. Last evaluated 2026-02-04.

Conditions:
Hereditary insensitivity to pain with anhidrosis (CIPA). Also called: hereditary sensory and autonomic neuropathy type 4; NEUROPATHY, CONGENITAL SENSORY, WITH ANHIDROSIS; INSENSITIVITY TO PAIN, CONGENITAL, WITH ANHIDROSIS; HSAN Type IV; NTRK1 Congenital Insensitivity to Pain with Anhidrosis; FAMILIAL DYSAUTONOMIA, TYPE II. Identifiers: Orphanet 642, MedGen C0020074, MONDO:0009746, OMIM 256800.

Allele frequency attached by ClinVar (database versions not stated): gnomAD 0.00001; ExAC 0.00002; gnomAD exomes 0.00002 and 0.00003; TOPMed 0.00002; ESP Exome Variant Server 0.00008.
gnomAD v4.1: 35 of 1,614,036 alleles (0.0022%); highest among the groups gnomAD compares: Admixed American, 0.0083%; no homozygotes.

Submissions (4):

Labcorp Genetics (formerly Invitae), Labcorp
Classification: Uncertain significance for Hereditary insensitivity to pain with anhidrosis. Last evaluated: 2026-02-04. Review status: criteria provided, single submitter. Criteria: Invitae Variant Classification Sherloc (09022015). Collection method: clinical testing. Allele origin: germline.
Comment: This sequence change replaces arginine, which is basic and polar, with tryptophan, which is neutral and slightly polar, at codon 273 of the NTRK1 protein (p.Arg273Trp). This variant is present in population databases (rs151334385, gnomAD 0.01%). This variant has not been reported in the literature in individuals affected with NTRK1-related conditions. ClinVar contains an entry for this variant (Variation ID: 456623). Invitae Evidence Modeling of protein sequence and biophysical properties (such as structural, functional, and spatial information, amino acid conservation, physicochemical variation, residue mobility, and thermodynamic stability) indicates that this missense variant is not expected to disrupt NTRK1 protein function with a negative predictive value of 95%. In summary, the available evidence is currently insufficient to determine the role of this variant in disease. Therefore, it has been classified as a Variant of Uncertain Significance.

CeGaT Center for Human Genetics Tuebingen
Classification: Uncertain significance. Last evaluated: 2023-09-01. Review status: criteria provided, single submitter. Criteria: CeGaT Center For Human Genetics Tuebingen Variant Classification Criteria Version 2. Collection method: clinical testing. Allele origin: germline. Affected: yes. Observed: 2 variant alleles.
Comment: NTRK1: PM2

Genome-Nilou Lab
Classification: Uncertain significance for Hereditary insensitivity to pain with anhidrosis. Last evaluated: 2023-04-11. Review status: criteria provided, single submitter. Criteria: ACMG Guidelines, 2015. Collection method: clinical testing. Allele origin: germline. Affected: no.

Natera, Inc.
Classification: Uncertain significance for Hereditary insensitivity to pain with anhidrosis. Last evaluated: 2019-11-11. Review status: no assertion criteria provided. Collection method: clinical testing. Allele origin: germline. Not counted in ClinVar's aggregate classification.